The following is an entry in ClinVar:

NM_014363.6(SACS):c.655C>T (p.Gln219Ter)

Gene: SACS (sacsin molecular chaperone; minus strand). Cytogenetic location: 13q12.12.
Variant type: single nucleotide variant.
Coding change: c.655C>T on transcript NM_014363.6 (MANE Select); coding-DNA position 655, C replaced by T.
Protein change: p.Gln219Ter; replaces glutamine 219 with a stop codon.
Molecular consequence: nonsense.
Genome position (GRCh38, 1-based): chr13:23,355,957, G>A on the plus strand (C>T on the coding strand, the complement: SACS is on the minus strand). VCF-style: chr13-23355957-G-A. GRCh37 (hg19) VCF-style: chr13-23930096-G-A.
Other names: c.214C>T, p.Gln72Ter (NM_001278055.2); c.655C>T, p.Gln219Ter (NM_001437336.1); short protein forms Q219*, Q72*.
Identifiers: ClinVar variation 5015703 (VCV005015703.1).

ClinVar aggregate classification (germline): Pathogenic (1 of 4 stars; one submission).

Conditions:
Charlevoix-Saguenay spastic ataxia (SACS). Also called: AUTOSOMAL RECESSIVE SPASTIC ATAXIA OF CHARLEVOIX-SAGUENAY; Spastic ataxia of Charlevoix-Saguenay; SPASTIC ATAXIA 6, AUTOSOMAL RECESSIVE. Identifiers: Orphanet 98, MedGen C1849140, MONDO:0010041, OMIM 270550.

Submission:

Myriad Genetics, Inc.
Classification: Pathogenic for Charlevoix-Saguenay spastic ataxia. Last evaluated: 2026-03-21. Review status: criteria provided, single submitter. Criteria: Myriad Autosomal Dominant, Autosomal Recessive and X-Linked Classification Criteria (2023). Collection method: clinical testing. Allele origin: unknown.
Comment: NM_014363.4(SACS):c.655C>T(Q219*) is expected to be pathogenic in the context of autosomal recessive spastic ataxia of Charlevoix-Saguenay. This variant is predicted to lead to an abnormal or absent protein product due to the creation of a premature termination codon in SACS, a gene where loss-of-function variants are known to be pathogenic. Please note: this variant was assessed in the context of healthy population screening.